The following is an entry in ClinVar:

NM_001375808.2(LPIN2):c.1975G>A (p.Val659Met)

Gene: LPIN2 (lipin 2; minus strand). Cytogenetic location: 18p11.31.
Variant type: single nucleotide variant.
Coding change: c.1975G>A on transcript NM_001375808.2 (MANE Select); coding-DNA position 1975, G replaced by A.
Protein change: p.Val659Met; replaces valine 659 with methionine.
Molecular consequence: missense variant.
Genome position (GRCh38, 1-based): chr18:2,924,510, C>T on the plus strand (G>A on the coding strand, the complement: LPIN2 is on the minus strand). VCF-style: chr18-2924510-C-T. GRCh37 (hg19) VCF-style: chr18-2924508-C-T.
Other names: c.1975G>A, p.Val659Met (NM_001375809.1, NM_014646.2); short protein forms V659M.
Identifiers: ClinVar variation 850896 (VCV000850896.7), dbSNP rs948057549, ClinGen allele CA295495196.

ClinVar aggregate classification (germline): Uncertain significance (1 of 4 stars; one submission).

Conditions:
Majeed syndrome (MJDS). Also called: LPIN2-Related Majeed Syndrome; CHRONIC RECURRENT MULTIFOCAL OSTEOMYELITIS 1, WITH CONGENITAL DYSERYTHROPOIETIC ANEMIA, WITH OR WITHOUT NEUTROPHILIC DERMATOSIS. Identifiers: Orphanet 77297, MedGen C1864997, MONDO:0012316, OMIM 609628.

Allele frequency attached by ClinVar (database versions not stated): gnomAD 0.00001; TOPMed 0.00001; gnomAD exomes 0.00002.
gnomAD v4.1: 27 of 1,614,068 alleles (0.0017%); highest among the groups gnomAD compares: Non-Finnish European, 0.0022%; no homozygotes.

Submission:

Labcorp Genetics (formerly Invitae), Labcorp
Classification: Uncertain significance for Majeed syndrome. Last evaluated: 2021-09-01. Review status: criteria provided, single submitter. Criteria: Invitae Variant Classification Sherloc (09022015). Collection method: clinical testing. Allele origin: germline.
Comment: This sequence change replaces valine with methionine at codon 659 of the LPIN2 protein (p.Val659Met). The valine residue is moderately conserved and there is a small physicochemical difference between valine and methionine. This variant is not present in population databases (ExAC no frequency). This variant has not been reported in the literature in individuals affected with LPIN2-related conditions. Algorithms developed to predict the effect of missense changes on protein structure and function (SIFT, PolyPhen-2, Align-GVGD) all suggest that this variant is likely to be tolerated. In summary, the available evidence is currently insufficient to determine the role of this variant in disease. Therefore, it has been classified as a Variant of Uncertain Significance.